The following is an entry in ClinVar:

NM_001080432.3(FTO):c.1198A>G (p.Met400Val)

Gene: FTO (FTO alpha-ketoglutarate dependent dioxygenase; plus strand). Cytogenetic location: 16q12.2.
Variant type: single nucleotide variant.
Coding change: c.1198A>G on transcript NM_001080432.3 (MANE Select); coding-DNA position 1198, A replaced by G.
Protein change: p.Met400Val; replaces methionine 400 with valine.
Molecular consequence: missense variant.
Genome position (GRCh38, 1-based): chr16:53,888,910, A>G. VCF-style: chr16-53888910-A-G. GRCh37 (hg19) VCF-style: chr16-53922822-A-G.
Other names: c.1228A>G, p.Met410Val (NM_001363891.2); c.1198A>G, p.Met400Val (NM_001363894.2, NM_001363896.2, NM_001363903.2 and 1 more transcripts); c.1120A>G, p.Met374Val (NM_001363897.2); c.1084A>G, p.Met362Val (NM_001363898.2, NM_001363899.2); c.1054A>G, p.Met352Val (NM_001363900.2, NM_001363901.2); c.685A>G, p.Met229Val (NM_001363905.2); short protein forms M229V, M374V, M410V, M352V, M362V, M400V.
Identifiers: ClinVar variation 885848 (VCV000885848.6), dbSNP rs143788264, ClinGen allele CA8058556.

ClinVar aggregate classification (germline): Uncertain significance. Review status: criteria provided, multiple submitters, no conflicts (2 of 4 stars). 2 submissions from 2 submitters: Uncertain significance (2). Last evaluated 2021-11-30.

Conditions:
Lethal polymalformative syndrome, Boissel type. Also called: GROWTH RETARDATION, DEVELOPMENTAL DELAY, AND FACIAL DYSMORPHISM. Identifiers: Orphanet 210144, MedGen C2752001, MONDO:0013050, OMIM 612938.

Allele frequency attached by ClinVar (database versions not stated): gnomAD exomes 0.00006 and 0.00014; ExAC 0.00016; ESP Exome Variant Server 0.00031; gnomAD 0.00038 and 0.00043; TOPMed 0.00051.
gnomAD v4.1: 145 of 1,613,996 alleles (0.009%); highest among the groups gnomAD compares: African/African-American, 0.12%; no homozygotes.

Submissions (2):

Labcorp Genetics (formerly Invitae), Labcorp
Classification: Uncertain significance. Last evaluated: 2021-11-30. Review status: criteria provided, single submitter. Criteria: Invitae Variant Classification Sherloc (09022015). Collection method: clinical testing. Allele origin: germline.
Comment: This sequence change replaces methionine, which is neutral and non-polar, with valine, which is neutral and non-polar, at codon 400 of the FTO protein (p.Met400Val). This variant is present in population databases (rs143788264, gnomAD 0.1%). This variant has not been reported in the literature in individuals affected with FTO-related conditions. ClinVar contains an entry for this variant (Variation ID: 885848). Algorithms developed to predict the effect of missense changes on protein structure and function output the following: SIFT: "Deleterious"; PolyPhen-2: "Benign"; Align-GVGD: "Class C0". The valine amino acid residue is found in multiple mammalian species, which suggests that this missense change does not adversely affect protein function. In summary, the available evidence is currently insufficient to determine the role of this variant in disease. Therefore, it has been classified as a Variant of Uncertain Significance.

Illumina Laboratory Services, Illumina
Classification: Uncertain significance for Lethal polymalformative syndrome, Boissel type. Last evaluated: 2017-04-27. Review status: criteria provided, single submitter. Criteria: ICSL Variant Classification Criteria 13 December 2019. Collection method: clinical testing. Allele origin: germline.
Comment: This variant was observed as part of a predisposition screen in an ostensibly healthy population. A literature search was performed for the gene, cDNA change, and amino acid change (where applicable). Publications were found based on this search. However, the evidence from the literature, in combination with allele frequency data from public databases where available, was not sufficient to rule this variant in or out of causing disease. Therefore, this variant is classified as a variant of unknown significance.

Literature cited by the submitters: PubMed 23505181 (cited by Illumina Laboratory Services, Illumina).